The following is an entry in ClinVar:

ClinVar aggregate classification (germline): Uncertain significance (1 of 4 stars; one submission).

Conditions:
Muscular dystrophy-dystroglycanopathy (congenital with brain and eye anomalies), type A, 7. Also called: WALKER-WARBURG SYNDROME OR MUSCLE-EYE-BRAIN DISEASE, ISPD-RELATED; Congenital muscular dystrophy-dystroglycanopathy with brain and eye anomalies, type A7. Identifiers: Orphanet 899, MedGen C3553330, MONDO:0013835, OMIM 614643.
Autosomal recessive limb-girdle muscular dystrophy type 2U. Also called: Muscular dystrophy-dystroglycanopathy (limb-girdle), type c, 7; MUSCULAR DYSTROPHY, LIMB-GIRDLE, TYPE 2U. Identifiers: Orphanet 352479, MedGen C5190987, MONDO:0014474, OMIM 616052.

Allele frequency attached by ClinVar (database versions not stated): gnomAD exomes below 0.00001; TOPMed below 0.00001; gnomAD 0.00001.
gnomAD v4.1: 3 of 1,579,210 alleles (0.00019%); highest among the groups gnomAD compares: South Asian, 0.0011%; no homozygotes.

Submission:

Labcorp Genetics (formerly Invitae), Labcorp
Classification: Uncertain significance for Muscular dystrophy-dystroglycanopathy (congenital with brain and eye anomalies), type A, 7; Autosomal recessive limb-girdle muscular dystrophy type 2U. Last evaluated: 2022-03-19. Review status: criteria provided, single submitter. Criteria: Invitae Variant Classification Sherloc (09022015). Collection method: clinical testing. Allele origin: germline.
Comment: In summary, the available evidence is currently insufficient to determine the role of this variant in disease. Therefore, it has been classified as a Variant of Uncertain Significance. Algorithms developed to predict the effect of missense changes on protein structure and function output the following: SIFT: "Tolerated"; PolyPhen-2: "Benign"; Align-GVGD: "Class C0". The glycine amino acid residue is found in multiple mammalian species, which suggests that this missense change does not adversely affect protein function. This variant has not been reported in the literature in individuals affected with ISPD-related conditions. This variant is not present in population databases (gnomAD no frequency). This sequence change replaces aspartic acid, which is acidic and polar, with glycine, which is neutral and non-polar, at codon 290 of the ISPD protein (p.Asp290Gly).

NM_001101426.4(CRPPA):c.869A>G (p.Asp290Gly)

Gene: CRPPA (CDP-L-ribitol pyrophosphorylase A; minus strand). Cytogenetic location: 7p21.2.
Variant type: single nucleotide variant.
Coding change: c.869A>G on transcript NM_001101426.4 (MANE Select); coding-DNA position 869, A replaced by G.
Protein change: p.Asp290Gly; replaces aspartic acid 290 with glycine.
Molecular consequence: missense variant. On other transcripts: non-coding transcript variant (1).
Genome position (GRCh38, 1-based): chr7:16,278,193, T>C on the plus strand (A>G on the coding strand, the complement: CRPPA is on the minus strand). VCF-style: chr7-16278193-T-C. GRCh37 (hg19) VCF-style: chr7-16317818-T-C.
Other names: c.719A>G, p.Asp240Gly (NM_001101417.4); c.764A>G, p.Asp255Gly (NM_001368197.1); short protein forms D240G, D255G, D290G.
Identifiers: ClinVar variation 2420140 (VCV002420140.7), dbSNP rs1784249183, ClinGen allele CA367001349.
Genomic context (GRCh38, chr7:16,278,193, plus strand): 5'-AATTCACTTTTCAGCACTTCTTCAAGAAGATGACCTACATGTTTGTTATCTTCTTCTGTA[T>C]CCATAACTACACAAATCTCTTGGGAAATTCTCTCTGAAATTAAAAAAAAAAAGTTTTAAG-3'
Protein context (NP_001094896.1, residues 280-300): RISQEICVVM[Asp290Gly]TEEDNKHVGH